The following is an entry in ClinVar:

NM_002890.3(RASA1):c.2035C>T (p.Arg679Ter)

Genes: CCNH (cyclin H; minus strand), RASA1 (RAS p21 protein activator 1; plus strand). Cytogenetic location: 5q14.3.
Variant type: single nucleotide variant.
Coding change: c.2035C>T on transcript NM_002890.3 (MANE Select); coding-DNA position 2035, C replaced by T.
Protein change: p.Arg679Ter; replaces arginine 679 with a stop codon.
Molecular consequence: nonsense. On other transcripts: intron variant (1).
Genome position (GRCh38, 1-based): chr5:87,376,416, C>T. VCF-style: chr5-87376416-C-T. GRCh37 (hg19) VCF-style: chr5-86672233-C-T.
Other names: c.2035C>T (NM_002890.2); c.1504C>T, p.Arg502Ter (NM_022650.3); c.933+18628G>A (NM_001364075.2); short protein forms R502*, R679*.
Identifiers: ClinVar variation 440234 (VCV000440234.16), dbSNP rs1554049394, ClinGen allele CA360378140.

ClinVar aggregate classification (germline): Pathogenic. Review status: criteria provided, multiple submitters, no conflicts (2 of 4 stars). 6 submissions from 6 submitters: Pathogenic (6). Last evaluated 2025-03-21.

Conditions:
RASA1-related disorder. Also called: RASA1-related condition.
Capillary malformation-arteriovenous malformation syndrome. Also called: Capillary malformation-arteriovenous malformation. Identifiers: Orphanet 137667, MedGen C1842180, MONDO:0012016.
Capillary malformation-arteriovenous malformation 1 (CMAVM1). Identifiers: Orphanet 137667, Orphanet 693907, MedGen C4747394, MONDO:0020783, OMIM 608354.

Allele frequency attached by ClinVar (database versions not stated): gnomAD exomes below 0.00001.
gnomAD v4.1: 3 of 1,613,852 alleles (0.00019%); highest among the groups gnomAD compares: Non-Finnish European, 0.00025%; no homozygotes.

Submissions (6):

PreventionGenetics, part of Exact Sciences
Classification: Pathogenic for RASA1-related condition. Last evaluated: 2025-03-21. Review status: criteria provided, single submitter. Criteria: ACMG Guidelines, 2015. Collection method: clinical testing. Allele origin: germline.
Comment: The RASA1 c.2035C>T variant is predicted to result in premature protein termination (p.Arg679*). This variant has been reported in many individuals with capillary malformation-arteriovenous malformation, including one patient with right leg hypertrophy (Revencu et al. 2013. PubMed ID: 24038909; Lacalm et al. 2018. PubMed ID: 28295764; Wooderchak-Donahue et al. 2018. PubMed ID: 29891884). This variant has not been reported in a large population database (gnomAD), indicating this variant is rare. Nonsense variants in RASA1 are expected to be pathogenic. This variant is interpreted as pathogenic.

Labcorp Genetics (formerly Invitae), Labcorp
Classification: Pathogenic for Capillary malformation-arteriovenous malformation syndrome. Last evaluated: 2024-12-10. Review status: criteria provided, single submitter. Criteria: Invitae Variant Classification Sherloc (09022015). Collection method: clinical testing. Allele origin: germline.
Comment: This sequence change creates a premature translational stop signal (p.Arg679*) in the RASA1 gene. It is expected to result in an absent or disrupted protein product. Loss-of-function variants in RASA1 are known to be pathogenic (PMID: 24038909). This variant is not present in population databases (gnomAD no frequency). This premature translational stop signal has been observed in individual(s) with arteriovenous malformations and/or capillary malformations (PMID: 24038909, 29891884). ClinVar contains an entry for this variant (Variation ID: 440234). For these reasons, this variant has been classified as Pathogenic.

GeneDx
Classification: Pathogenic. Last evaluated: 2024-08-14. Review status: criteria provided, single submitter. Criteria: GeneDx Variant Classification Process June 2021. Collection method: clinical testing. Allele origin: germline. Affected: yes.
Comment: Nonsense variant predicted to result in protein truncation or nonsense mediated decay in a gene for which loss of function is a known mechanism of disease; Not observed at significant frequency in large population cohorts (gnomAD); This variant is associated with the following publications: (PMID: 36924216, Cao2023[CaseReport], 34162280, 29891884, 24038909, 28295764, 30368862, 25164765, 31300548)

Genomic Medicine Lab, University of California San Francisco
Classification: Pathogenic for Capillary malformation-arteriovenous malformation 1. Last evaluated: 2023-12-22. Review status: criteria provided, single submitter. Criteria: ACMG Guidelines, 2015. Collection method: clinical testing. Allele origin: paternal. Affected: no.

ARUP Laboratories, Molecular Genetics and Genomics, ARUP Laboratories
Classification: Pathogenic. Last evaluated: 2020-10-01. Review status: criteria provided, single submitter. Criteria: ARUP Molecular Germline Variant Investigation Process 2021. Collection method: clinical testing. Allele origin: germline.
Comment: The RASA1 c.2035C>T; p.Arg679Ter variant (rs1554049394) is reported in the literature in multple individuals affected with capillary malformation-arteriovenous malformation (CM-AVM) (Lacalm 2018, Revencu 2013, Wooderchak-Donahue 2018). This variant is absent from general population databases (Exome Variant Server, Genome Aggregation Database), indicating it is not a common polymorphism. This variant induces an early termination codon and is predicted to result in a truncated protein or mRNA subject to nonsense-mediated decay. Based on available information, this variant is considered to be pathogenic. References: Lacalm A et al. Prenatal diagnosis of cerebral and extracerebral high-flow lesions revealing familial capillary malformation-arteriovenous malformation (CM-AVM) syndrome. Ultrasound Obstet Gynecol. 2018 Mar;51(3):409-411. Revencu N et al. RASA1 mutations and associated phenotypes in 68 families with capillary malformation-arteriovenous malformation. Hum Mutat. 2013 Dec;34(12):1632-41. Wooderchak-Donahue WL et al. Expanding the clinical and molecular findings in RASA1 capillary malformation-arteriovenous malformation. Eur J Hum Genet. 2018 Oct;26(10):1521-1536.

Blueprint Genetics
Classification: Pathogenic for RASA1-related disorders. Last evaluated: 2020-05-27. Review status: criteria provided, single submitter. Criteria: ACMG Guidelines, 2015. Collection method: clinical testing. Allele origin: germline. Affected: yes. Observed: 1 variant allele.

Literature cited by the submitters: PubMed 24038909 (cited by Labcorp Genetics (formerly Invitae), Labcorp); PubMed 29891884 (cited by Labcorp Genetics (formerly Invitae), Labcorp).